The following is an entry in ClinVar:

NM_005228.5(EGFR):c.2192G>C (p.Trp731Ser)

Gene: EGFR (epidermal growth factor receptor; plus strand). Cytogenetic location: 7p11.2.
Variant type: single nucleotide variant.
Coding change: c.2192G>C on transcript NM_005228.5 (MANE Select); coding-DNA position 2192, G replaced by C.
Protein change: p.Trp731Ser; replaces tryptophan 731 with serine.
Molecular consequence: missense variant.
Genome position (GRCh38, 1-based): chr7:55,174,729, G>C. VCF-style: chr7-55174729-G-C. GRCh37 (hg19) VCF-style: chr7-55242422-G-C.
Other names: c.2057G>C, p.Trp686Ser (NM_001346897.2, NM_001346899.2); c.2192G>C, p.Trp731Ser (NM_001346898.2); c.2033G>C, p.Trp678Ser (NM_001346900.2); c.1391G>C, p.Trp464Ser (NM_001346941.2); short protein forms W464S, W678S, W686S, W731S.
Identifiers: ClinVar variation 4870294 (VCV004870294.1).

ClinVar aggregate classification (germline): Uncertain significance (1 of 4 stars; one submission).

Conditions:
Hereditary cancer-predisposing syndrome. Also called: Neoplastic Syndromes, Hereditary; Tumor predisposition; Hereditary Cancer Syndrome; Hereditary neoplastic syndrome. Identifiers: Orphanet 140162, MedGen C0027672, MeSH D009386, MONDO:0015356.

Submission:

Ambry Genetics
Classification: Uncertain significance for Hereditary cancer-predisposing syndrome. Last evaluated: 2026-06-10. Review status: criteria provided, single submitter. Criteria: Ambry Variant Classification Scheme 2023. Collection method: clinical testing. Allele origin: germline.
Comment: The p.W731S variant (also known as c.2192G>C), located in coding exon 19 of the EGFR gene, results from a G to C substitution at nucleotide position 2192. The tryptophan at codon 731 is replaced by serine, an amino acid with highly dissimilar properties. This amino acid position is conserved. In addition, this alteration is predicted to be deleterious by in silico analysis. Based on the available evidence, the clinical significance of this variant remains unclear.